The following is an entry in ClinVar:

NM_014141.6(CNTNAP2):c.427G>C (p.Asp143His)

Gene: CNTNAP2 (contactin associated protein 2; plus strand). Cytogenetic location: 7q35.
Variant type: single nucleotide variant.
Coding change: c.427G>C on transcript NM_014141.6 (MANE Select); coding-DNA position 427, G replaced by C.
Protein change: p.Asp143His; replaces aspartic acid 143 with histidine.
Molecular consequence: missense variant.
Genome position (GRCh38, 1-based): chr7:147,043,931, G>C. VCF-style: chr7-147043931-G-C. GRCh37 (hg19) VCF-style: chr7-146741023-G-C.
Other names: short protein forms D143H.
Identifiers: ClinVar variation 4690023 (VCV004690023.1).

ClinVar aggregate classification (germline): Uncertain significance (1 of 4 stars; one submission).

Submission:

GeneDx
Classification: Uncertain significance. Last evaluated: 2025-07-30. Review status: criteria provided, single submitter. Criteria: GeneDx Variant Classification Process June 2021. Collection method: clinical testing. Allele origin: germline. Affected: yes.
Comment: Not observed at significant frequency in large population cohorts (gnomAD); In silico analysis supports that this missense variant has a deleterious effect on protein structure/function; Has not been previously published as pathogenic or benign to our knowledge